The following is an entry in ClinVar:

NM_001360016.2(G6PD):c.1175T>C (p.Ile392Thr)

Gene: G6PD (glucose-6-phosphate dehydrogenase; minus strand). Cytogenetic location: Xq28.
Variant type: single nucleotide variant.
Coding change: c.1175T>C on transcript NM_001360016.2 (MANE Select); coding-DNA position 1175, T replaced by C.
Protein change: p.Ile392Thr; replaces isoleucine 392 with threonine.
Molecular consequence: missense variant.
Genome position (GRCh38, 1-based): chrX:154,532,679, A>G on the plus strand (T>C on the coding strand, the complement: G6PD is on the minus strand). VCF-style: chrX-154532679-A-G. GRCh37 (hg19) VCF-style: chrX-153760894-A-G.
Other names: G6PD Krakow; c.1265T>C, p.Ile422Thr (NM_000402.4); c.1175T>C, p.Ile392Thr (NM_001042351.3); short protein forms I392T, I422T.
Identifiers: ClinVar variation 1722619 (VCV001722619.2), dbSNP rs2523262719, ClinGen allele CA415234058.
Genomic context (GRCh38, chrX:154,532,679, plus strand): 5'-AACATGCCCGGCTTCTTGGTCATCATCTTGGTGTACACGGCCTCGTTGGGCTGCACGCGG[A>G]TCACCAGCTCGTTGCGCTTGCACTGCTGGTGGAAGATGTCGCCGGCCACATCATGGAACT-3'
Protein context (NP_001346945.1, residues 382-402): HQQCKRNELV[Ile392Thr]RVQPNEAVYT

ClinVar aggregate classification (germline): Likely pathogenic (1 of 4 stars; one submission).

Conditions:
Anemia, nonspherocytic hemolytic, due to G6PD deficiency (CNSHA1). Also called: Hemolytic anemia due to G6PD deficiency; Class I glucose-6-phosphate dehydrogenase deficiency; Favism, susceptibility to; ANEMIA, CONGENITAL, NONSPHEROCYTIC HEMOLYTIC, 1. Identifiers: Orphanet 466026, MedGen C2720289, MONDO:0010480, OMIM 300908.

Submission:

Dunham Lab, University of Washington
Classification: Likely pathogenic for Anemia, nonspherocytic hemolytic, due to G6PD deficiency. Last evaluated: 2022-08-12. Review status: criteria provided, single submitter. Criteria: Bayesian ACMG Guidelines, 2018. Collection method: curation. Allele origin: unknown. Affected: yes.
Comment: Decreased activity in red blood cells (19%) (PS3). Alters dimerization domain (PM1). Not found in gnomAD (PM2). Post_P 0.988 (odds of pathogenicity 729.3, Prior_P 0.1).

Literature cited by the submitters: PubMed 18066402; PubMed 31294066.